The following is an entry in ClinVar:

ClinVar aggregate classification (germline): Uncertain significance (1 of 4 stars; one submission).

Conditions:
Cardiomyopathy (CMYO). Also called: Cardiomyopathies. Identifiers: Orphanet 167848, MedGen C0878544, MONDO:0004994, HP:0001638. Inheritance: Various modes of inheritance.

Submission:

Color Diagnostics, LLC DBA Color Health
Classification: Uncertain significance for Cardiomyopathy. Last evaluated: 2024-03-07. Review status: criteria provided, single submitter. Criteria: ACMG Guidelines, 2015. Collection method: clinical testing. Allele origin: germline.
Comment: This missense variant replaces leucine with valine at codon 2330 of the DSP protein. Computational prediction tool is inconclusive regarding the impact of this variant on protein structure and function (internally defined REVEL score threshold 0.5 < inconclusive < 0.7, PMID: 27666373). Splice site prediction tools suggest that this variant may not impact RNA splicing. To our knowledge, functional studies have not been performed for this variant. This variant has not been reported in individuals affected with cardiovascular disorders in the literature. This variant has not been identified in the general population by the Genome Aggregation Database (gnomAD). The available evidence is insufficient to determine the role of this variant in disease conclusively. Therefore, this variant is classified as a Variant of Uncertain Significance.

NM_004415.4(DSP):c.6988C>G (p.Leu2330Val)

Gene: DSP (desmoplakin; plus strand). Cytogenetic location: 6p24.3.
Variant type: single nucleotide variant.
Coding change: c.6988C>G on transcript NM_004415.4 (MANE Select); coding-DNA position 6988, C replaced by G.
Protein change: p.Leu2330Val; replaces leucine 2330 with valine.
Molecular consequence: missense variant.
Genome position (GRCh38, 1-based): chr6:7,584,250, C>G. VCF-style: chr6-7584250-C-G. GRCh37 (hg19) VCF-style: chr6-7584483-C-G.
Other names: c.5191C>G, p.Leu1731Val (NM_001008844.3); c.5659C>G, p.Leu1887Val (NM_001319034.2); short protein forms L1731V, L2330V, L1887V.
Identifiers: ClinVar variation 921690 (VCV000921690.4), dbSNP rs1759554701, ClinGen allele CA362691992.
Genomic context (GRCh38, chr6:7,584,250, plus strand): 5'-TTACCAGTGGAGGAAGCCTACAAGAGAGGTCTGGTGGGCATTGAGTTCAAAGAGAAGCTC[C>G]TGTCTGCAGAACGAGCTGTCACTGGGTATAATGATCCTGAAACAGGAAACATCATCTCTT-3'
Protein context (NP_004406.2, residues 2320-2340): LVGIEFKEKL[Leu2330Val]SAERAVTGYN